The following is an entry in ClinVar:

NM_000400.4(ERCC2):c.1847G>C (p.Arg616Pro)

Gene: ERCC2 (ERCC excision repair 2, TFIIH core complex helicase subunit; minus strand). Cytogenetic location: 19q13.32.
Variant type: single nucleotide variant.
Coding change: c.1847G>C on transcript NM_000400.4 (MANE Select); coding-DNA position 1847, G replaced by C.
Protein change: p.Arg616Pro; replaces arginine 616 with proline.
Molecular consequence: missense variant.
Genome position (GRCh38, 1-based): chr19:45,352,801, C>G on the plus strand (G>C on the coding strand, the complement: ERCC2 is on the minus strand). VCF-style: chr19-45352801-C-G. GRCh37 (hg19) VCF-style: chr19-45856059-C-G.
Other names: short protein forms R616P.
Identifiers: ClinVar variation 329508 (VCV000329508.76), dbSNP rs376556895, ClinGen allele CA9513025.

ClinVar aggregate classification (germline): Pathogenic. Review status: criteria provided, multiple submitters, no conflicts (2 of 4 stars). 15 submissions from 15 submitters: Pathogenic (15). Last evaluated 2026-05-18.

Conditions:
ERCC2-related disorder. Also called: ERCC2-related disorders; ERCC2-related conditions; ERCC2-related condition. Identifiers: MedGen CN239291.
Inborn genetic diseases. Identifiers: MedGen C0950123, MeSH D030342.
Hereditary cancer-predisposing syndrome. Also called: Tumor predisposition; Hereditary Cancer Syndrome; Neoplastic Syndromes, Hereditary; Hereditary neoplastic syndrome. Identifiers: Orphanet 140162, MedGen C0027672, MeSH D009386, MONDO:0015356.
Xeroderma pigmentosum, group D (XPD). Also called: XERODERMA PIGMENTOSUM, COMPLEMENTATION GROUP D; XERODERMA PIGMENTOSUM IV; XP, GROUP D; XP, GROUP H; ERCC2-Related Xeroderma Pigmentosum. Identifiers: MedGen C0268138, MONDO:0010212, OMIM 278730.
Cerebrooculofacioskeletal syndrome 2 (COFS2). Identifiers: MedGen C1853102, MONDO:0012553, OMIM 610756.
Trichothiodystrophy 1, photosensitive (TTD1). Also called: PIBIDS SYNDROME; TAY SYNDROME; TRICHOTHIODYSTROPHY WITH CONGENITAL ICHTHYOSIS. Identifiers: Orphanet 33364, MedGen C1866504, MONDO:0011125, OMIM 601675.
Xeroderma pigmentosum (XP). Identifiers: Orphanet 910, MedGen C0043346, MONDO:0019600.

Allele frequency attached by ClinVar (database versions not stated): gnomAD 0.00010; ExAC 0.00013; ESP Exome Variant Server 0.00015; TOPMed 0.00016.
gnomAD v4.1: 456 of 1,613,336 alleles (0.028%); highest among the groups gnomAD compares: Non-Finnish European, 0.036%; no homozygotes.

Submissions 1 to 9 of 15:

PreventionGenetics, part of Exact Sciences
Classification: Pathogenic for ERCC2-related condition. Last evaluated: 2026-05-18. Review status: criteria provided, single submitter. Criteria: ACMG Guidelines, 2015. Collection method: clinical testing. Allele origin: germline.
Comment: The ERCC2 c.1847G>C variant is predicted to result in the amino acid substitution p.Arg616Pro. This variant has been reported with other ERCC2 variants in multiple individuals with trichothiodystrophy or xeroderma pigmentosum (see for examples, Broughton et al. 1994. PubMed ID: 7920640; Orioli et al. 2012. PubMed ID: 23221806; Schäfer et al. 2013. PubMed ID: 23800062). This variant has also been reported in the heterozygous state in multiple individuals with various cancers including ovarian, colorectal, bladder, or osteosarcoma (see for examples, Kanchi et al. 2014. PubMed ID: 24448499; Table S9, AlDubayan et al. 2018. PubMed ID: 29478780; Table A4, Carlo et al. 2019. PubMed ID: 31794323; Table S2, Kim et al. 2021. PubMed ID: 34308104). This variant is reported in 0.026% of alleles in individuals of European (non-Finnish) descent in gnomAD and it has been classified as pathogenic by other institutions in ClinVar (Variation ID: 329508). In vitro experimental studies suggest this variant reduces helicase activity and increases cell death (Broughton et al. 1994. PubMed ID: 7920640; Dubaele et al. 2003. PubMed ID: 12820975). Alternate missense substitutions affecting the same amino acid (p.Arg616Trp, p.Arg616Gln, and p.Arg616Gly) have been reported in multiple individuals with ERCC2-related disorders (see for examples, Graham et al. 2001. PubMed ID: 11443545; Falik-Zaccai et al. 2012. PubMed ID: 22826098; Kondo et al. 2016. PubMed ID: 27396511). In summary, the c.1847G>C (p.Arg616Pro) variant is interpreted as pathogenic.

Dasa
Classification: Pathogenic. Last evaluated: 2026-03-25. Review status: criteria provided, single submitter. Criteria: DASA Assertion Criteria. Collection method: clinical testing. Allele origin: germline.
Comment: NM_000400.4(ERCC2):c.1847G>C (p.Arg616Pro) is a missense variant that results in the substitution of arginine with proline. Functional evidence supports a deleterious effect on the gene or gene product (PMID: 23221806; PMID: 27004399; PMID: 9238033; PMID: 33976420; PMID: 12820975). This variant has been recurrently observed in individuals with related phenotype (PMID: 23221806; PMID: 27004399; PMID: 9238033; PMID: 33976420; PMID: 12820975). Multiple computational predictions support a deleterious effect on the gene or gene product. The variant is present at low frequency in population datasets. Based on the available data, this variant is classified as pathogenic.

Labcorp Genetics (formerly Invitae), Labcorp
Classification: Pathogenic. Last evaluated: 2026-01-28. Review status: criteria provided, single submitter. Criteria: Invitae Variant Classification Sherloc (09022015). Collection method: clinical testing. Allele origin: germline.
Comment: This sequence change replaces arginine, which is basic and polar, with proline, which is neutral and non-polar, at codon 616 of the ERCC2 protein (p.Arg616Pro). This variant is present in population databases (rs376556895, gnomAD 0.03%). This missense change has been observed in individuals with xeroderma pigmentosum or trichothiodystrophy (PMID: 7920640, 9238033, 11734544, 23221806, 23800062). ClinVar contains an entry for this variant (Variation ID: 329508). Invitae Evidence Modeling of protein sequence and biophysical properties (such as structural, functional, and spatial information, amino acid conservation, physicochemical variation, residue mobility, and thermodynamic stability) indicates that this missense variant is expected to disrupt ERCC2 protein function with a positive predictive value of 80%. Experimental studies have shown that this missense change affects ERCC2 function (PMID: 9238033, 12820975). This variant disrupts the p.Arg616 amino acid residue in ERCC2. Other variant(s) that disrupt this residue have been observed in individuals with ERCC2-related conditions (PMID: 11443545, 22234153, 23800062, 27396511), which suggests that this may be a clinically significant amino acid residue. For these reasons, this variant has been classified as Pathogenic.

CeGaT Center for Human Genetics Tuebingen
Classification: Pathogenic. Last evaluated: 2025-07-01. Review status: criteria provided, single submitter. Criteria: CeGaT Center For Human Genetics Tuebingen Variant Classification Criteria Version 2. Collection method: clinical testing. Allele origin: germline. Affected: yes. Observed: 4 variant alleles.
Comment: ERCC2: PM3:Strong, PS3, PM1, PM2, PM5, PP3

Molecular Diagnostics Laboratory, Catalan Institute of Oncology
Classification: Pathogenic for Hereditary cancer-predisposing syndrome. Last evaluated: 2025-05-04. Review status: criteria provided, single submitter. Criteria: ACMG Guidelines, 2015. Collection method: clinical testing. Allele origin: germline.
Comment: PS3, PM3_Strong, PP3_Moderate c.1847G>C, located in exon 20 of the ERCC2 gene, is predicted to result in the substitution of arginine by proline at codon 616, p.(Arg616Pro). This variant is found in 35/267710 alleles at a frequency of 0.01% in the gnomAD v2.1.1 database, non-cancer dataset. The SpliceAI algorithm predicts no significant impact on splicing. The REVEL meta-predictor score for this variant (0.915) suggests a deleterious effect on protein function according to Pejaver 2022 thresholds (PMID: 36413997) (PP3_Moderate). Functional studies have shown that this variant decreases repair activity (PMID: 9238033, 23800062) (PS3). It has been reported in trans in multiple trichothiodystrophy and xeroderma pigmentosum-affected individuals (PMID: 9238033, 11710928) (PM3_Strong). This variant has been reported in the ClinVar database (10x pathogenic, 1x likely pathogenic) and in the LOVD (1x pathogenic, 1x likely pathogenic). Based on currently available information, the variant c.1847G>C should be considered a pathogenic variant.

GeneDx
Classification: Pathogenic. Last evaluated: 2025-04-24. Review status: criteria provided, single submitter. Criteria: GeneDx Variant Classification Process June 2021. Collection method: clinical testing. Allele origin: germline. Affected: yes.
Comment: Published functional studies on the yeast Rad15 gene, which is homologous to the human ERCC2 gene, demonstrate that the yeast R616P homologous variant is a functional null allele (PMID: 9238033); In silico analysis supports that this missense variant has a deleterious effect on protein structure/function; This variant is associated with the following publications: (PMID: 7920640, 23221806, 24448499, 7585650, 24252196, 12393803, 23800062, 9238033, 29478780, 26556299, 31738647, 30860024, 31110295, 36493725, 31589614, 33976420, 31794323, 33858029, 32191290, 34308104, 36033485, 35833951, 11734544, 37410378, 26884178, 27004399, 11710928, 30625039, 12820975)

Baylor Genetics
Classification: Pathogenic for Cerebrooculofacioskeletal syndrome 2. Last evaluated: 2024-03-27. Review status: criteria provided, single submitter. Criteria: ACMG Guidelines, 2015. Collection method: clinical testing. Allele origin: unknown.

Fulgent Genetics
Classification: Pathogenic for Xeroderma pigmentosum, group D; Trichothiodystrophy 1, photosensitive; Cerebrooculofacioskeletal syndrome 2. Last evaluated: 2024-03-05. Review status: criteria provided, single submitter. Criteria: ACMG Guidelines, 2015. Collection method: clinical testing. Allele origin: germline.

Blueprint Genetics
Classification: Pathogenic for ERCC2-related disorders. Last evaluated: 2023-07-17. Review status: criteria provided, single submitter. Criteria: ACMG Guidelines, 2015. Collection method: clinical testing. Allele origin: germline. Affected: yes. Observed: 5 variant alleles.